The following is an entry in ClinVar:

NM_000722.4(CACNA2D1):c.1956-12_1956-10dup

Gene: CACNA2D1 (calcium voltage-gated channel auxiliary subunit alpha2delta 1; minus strand). Cytogenetic location: 7q21.11.
Variant type: Duplication.
Coding change: c.1956-12_1956-10dup on transcript NM_000722.4 (MANE Select); 12 bases into the intron before coding-DNA position 1956 through 10 bases into the intron before coding-DNA position 1956, 3 bases duplicated (TTT; older notation c.1956-12_1956-10dupTTT).
Molecular consequence: intron variant.
Genome position (GRCh38, 1-based): chr7:81,974,556-81,974,558, AAA duplicated on the plus strand (TTT on the coding strand, the reverse complement: CACNA2D1 is on the minus strand); duplicating any 3 consecutive bases within chr7:81,974,556-81,974,564 gives the same sequence; the c. name uses the placement nearest the transcript's 3' end. VCF-style (leftmost placement, unchanged base first): chr7-81974555-G-GAAA. GRCh37 (hg19) VCF-style: chr7-81603871-G-GAAA.
Other names: p.?; c.1956-6_1956-4dup (NM_000722.3, NM_000722.4); c.1992-12_1992-10dup (NM_001366867.1).
Identifiers: ClinVar variation 416571 (VCV000416571.11), dbSNP rs3083235, ClinGen allele CA4317792.
Genomic context (GRCh38, chr7:81,974,555, plus strand): 5'-GAAATTTAAAAGAAATTCAGTGTTATTATCCGATATTTTCAGGTCATTGCAGTAATCTCT[G>GAAA]AAAAAAAAACATTTTGAGATATTAGATATTAAAATCAAAACTTTACAGGGTAATTAAAGG-3'

ClinVar aggregate classification (germline): Benign/Likely benign. Review status: criteria provided, multiple submitters, no conflicts (2 of 4 stars). 2 submissions from 2 submitters: Benign (1); Likely benign (1). Last evaluated 2026-02-04.

Conditions:
Brugada syndrome. Also called: Sudden unexplained nocturnal death syndrome; Sudden Unexplained Death Syndrome; Sudden Unexplained Nocturnal Death Syndrome (SUNDS); Sudden unexpected nocturnal death syndrome. Identifiers: Orphanet 130, MedGen C1142166, MONDO:0015263.

Submissions (2):

Labcorp Genetics (formerly Invitae), Labcorp
Classification: Benign for Brugada syndrome. Last evaluated: 2026-02-04. Review status: criteria provided, single submitter. Criteria: Invitae Variant Classification Sherloc (09022015). Collection method: clinical testing. Allele origin: germline.

Mayo Clinic Laboratories, Mayo Clinic
Classification: Likely benign. Last evaluated: 2025-09-02. Review status: criteria provided, single submitter. Criteria: ACMG Guidelines, 2015. Collection method: clinical testing. Allele origin: germline. Observed: 1 variant allele.
Comment: BS1, BP4, BP7